The following is an entry in ClinVar:

NM_006648.4(WNK2):c.3786C>A (p.Ser1262Arg)

Gene: WNK2 (WNK lysine deficient protein kinase 2; plus strand). Cytogenetic location: 9q22.31.
Variant type: single nucleotide variant.
Coding change: c.3786C>A on transcript NM_006648.4 (MANE Select); coding-DNA position 3786, C replaced by A.
Protein change: p.Ser1262Arg; replaces serine 1262 with arginine.
Molecular consequence: missense variant.
Genome position (GRCh38, 1-based): chr9:93,267,835, C>A. VCF-style: chr9-93267835-C-A. GRCh37 (hg19) VCF-style: chr9-96030117-C-A.
Other names: c.3786C>A, p.Ser1262Arg (NM_001282394.3); short protein forms S1262R.
Identifiers: ClinVar variation 4201708 (VCV004201708.1).
Genomic context (GRCh38, chr9:93,267,835, plus strand): 5'-GCGGGAAACGTTCATCGAGCAGATGAAGGATGTCATGGACAAGGCAGAGGACATGCTCAG[C>A]GAGGACACAGACGCCGACCGTGGCTCCGACCCAGGGACCAGCCCGCCACACCTCAGCACC-3'
Protein context (NP_006639.3, residues 1252-1272): DVMDKAEDML[Ser1262Arg]EDTDADRGSD

ClinVar aggregate classification (germline): Uncertain significance (1 of 4 stars; one submission).

gnomAD v4.1: 1 of 1,612,366 alleles (0.000062%); highest among the groups gnomAD compares: Non-Finnish European, 0.000085%; no homozygotes.

Submission:

Ambry Genetics
Classification: Uncertain significance. Last evaluated: 2025-08-03. Review status: criteria provided, single submitter. Criteria: Ambry Variant Classification Scheme 2023. Collection method: clinical testing. Allele origin: germline.
Comment: The p.S1262R variant (also known as c.3786C>A), located in coding exon 16 of the WNK2 gene, results from a C to A substitution at nucleotide position 3786. The serine at codon 1262 is replaced by arginine, an amino acid with dissimilar properties. This amino acid position is conserved. In addition, this alteration is predicted to be tolerated by in silico analysis. Based on the available evidence, the clinical significance of this variant remains unclear.